The following is an entry in ClinVar:

NM_001077350.3(NPRL3):c.1239G>A (p.Met413Ile)

Genes: HBA-LCR (alpha-globin locus control region; plus strand), NPRL3 (NPR3 like, GATOR1 complex subunit; minus strand). Cytogenetic location: 16p13.3.
Variant type: single nucleotide variant.
Coding change: c.1239G>A on transcript NM_001077350.3 (MANE Select); coding-DNA position 1239, G replaced by A.
Protein change: p.Met413Ile; replaces methionine 413 with isoleucine.
Molecular consequence: missense variant.
Genome position (GRCh38, 1-based): chr16:89,825, C>T on the plus strand (G>A on the coding strand, the complement: NPRL3 is on the minus strand). VCF-style: chr16-89825-C-T. GRCh37 (hg19) VCF-style: chr16-139823-C-T.
Other names: c.702G>A, p.Met234Ile (NM_001039476.3); c.1005G>A, p.Met335Ile (NM_001243247.2); c.1164G>A, p.Met388Ile (NM_001243248.2, NM_001243249.2); short protein forms M388I, M413I, M234I, M335I.
Identifiers: ClinVar variation 392471 (VCV000392471.8), dbSNP rs1057524503, ClinGen allele CA16607559.

ClinVar aggregate classification (germline): Uncertain significance. Review status: criteria provided, multiple submitters, no conflicts (2 of 4 stars). 2 submissions from 2 submitters: Uncertain significance (2). Last evaluated 2022-11-18.

Conditions:
Epilepsy, familial focal, with variable foci 3 (FFEVF3). Identifiers: MedGen C4310708, MONDO:0014925, OMIM 617118.

Allele frequency attached by ClinVar (database versions not stated): gnomAD exomes below 0.00001.
gnomAD v4.1: 1 of 1,586,572 alleles (0.000063%); highest among the groups gnomAD compares: South Asian, 0.0012%; no homozygotes.

Submissions (2):

GeneDx
Classification: Uncertain significance. Last evaluated: 2022-11-18. Review status: criteria provided, single submitter. Criteria: GeneDx Variant Classification Process June 2021. Collection method: clinical testing. Allele origin: germline. Affected: yes.
Comment: Has not been previously published as pathogenic or benign to our knowledge; Not observed at significant frequency in large population cohorts (gnomAD); In silico analysis supports that this missense variant does not alter protein structure/function; In silico analysis suggests this variant may impact gene splicing. In the absence of RNA/functional studies, the actual effect of this sequence change is unknown.

Labcorp Genetics (formerly Invitae), Labcorp
Classification: Uncertain significance for Epilepsy, familial focal, with variable foci 3. Last evaluated: 2022-09-13. Review status: criteria provided, single submitter. Criteria: Invitae Variant Classification Sherloc (09022015). Collection method: clinical testing. Allele origin: germline.
Comment: This sequence change replaces methionine, which is neutral and non-polar, with isoleucine, which is neutral and non-polar, at codon 413 of the NPRL3 protein (p.Met413Ile). The frequency data for this variant in the population databases is considered unreliable, as metrics indicate poor data quality at this position in the gnomAD database. This variant has not been reported in the literature in individuals affected with NPRL3-related conditions. Experimental studies and prediction algorithms are not available or were not evaluated, and the functional significance of this variant is currently unknown. Algorithms developed to predict the effect of sequence changes on RNA splicing suggest that this variant may create or strengthen a splice site. ClinVar contains an entry for this variant (Variation ID: 392471). In summary, the available evidence is currently insufficient to determine the role of this variant in disease. Therefore, it has been classified as a Variant of Uncertain Significance.